The following is an entry in ClinVar:

ClinVar aggregate classification (germline): Uncertain significance (1 of 4 stars; one submission).

gnomAD v4.1: 1 of 1,606,974 alleles (0.000062%); highest among the groups gnomAD compares: Admixed American, 0.0017%; no homozygotes.

Submission:

ARUP Laboratories, Molecular Genetics and Genomics, ARUP Laboratories
Classification: Uncertain significance. Last evaluated: 2024-09-30. Review status: criteria provided, single submitter. Criteria: ARUP Molecular Germline Variant Investigation Process 2024. Collection method: clinical testing. Allele origin: germline.
Comment: The CFTR c.1885A>G; p.Thr629Ala variant (rs1246322557) is reported in the literature in an individual identified by newborn screening that also carried another CFTR pathogenic variant, however the phase of variants was not determined (Prach 2013). This variant is absent from the Genome Aggregation Database (v2.1.1), indicating it is not a common polymorphism. Computational analyses are uncertain whether this variant is neutral or deleterious (REVEL: 0.399). Due to limited information, the clinical significance of this variant is uncertain at this time. References: Prach L et al. Novel CFTR variants identified during the first 3 years of cystic fibrosis newborn screening in California. J Mol Diagn. 2013 Sep;15(5):710-22. PMID: 23810505.

NM_000492.4(CFTR):c.1885A>G (p.Thr629Ala)

Gene: CFTR (CF transmembrane conductance regulator; plus strand). Cytogenetic location: 7q31.2.
Variant type: single nucleotide variant.
Coding change: c.1885A>G on transcript NM_000492.4 (MANE Select); coding-DNA position 1885, A replaced by G.
Protein change: p.Thr629Ala; replaces threonine 629 with alanine.
Molecular consequence: missense variant.
Genome position (GRCh38, 1-based): chr7:117,592,052, A>G. VCF-style: chr7-117592052-A-G. GRCh37 (hg19) VCF-style: chr7-117232106-A-G.
Other names: short protein forms T629A.
Identifiers: ClinVar variation 3766858 (VCV003766858.1).